The following is an entry in ClinVar:

ClinVar aggregate classification (germline): Uncertain significance (1 of 4 stars; one submission).

Conditions:
Thrombophilia due to protein C deficiency, autosomal dominant. Also called: PROC DEFICIENCY, AUTOSOMAL DOMINANT; PROTEIN C DEFICIENCY, AUTOSOMAL DOMINANT. Identifiers: Orphanet 745, MedGen C2674321, MONDO:0008316, OMIM 176860. Disease mechanism: loss of function.

Submission:

Labcorp Genetics (formerly Invitae), Labcorp
Classification: Uncertain significance for Thrombophilia due to protein C deficiency, autosomal dominant. Last evaluated: 2025-12-06. Review status: criteria provided, single submitter. Criteria: Invitae Variant Classification Sherloc (09022015). Collection method: clinical testing. Allele origin: germline.
Comment: This variant, c.184_186del, results in the deletion of 1 amino acid(s) of the PROC protein (p.Glu62del), but otherwise preserves the integrity of the reading frame. This variant is present in population databases (no rsID available, gnomAD 0.003%). This variant has been observed in individual(s) with protein C deficiency (internal data). Experimental studies and prediction algorithms are not available or were not evaluated, and the functional significance of this variant is currently unknown. In summary, the available evidence is currently insufficient to determine the role of this variant in disease. Therefore, it has been classified as a Variant of Uncertain Significance.

NM_000312.4(PROC):c.181GAG[1] (p.Glu62del)

Gene: PROC (protein C, inactivator of coagulation factors Va and VIIIa; plus strand). Cytogenetic location: 2q14.3.
Variant type: Microsatellite.
Coding change: c.181GAG[1] on transcript NM_000312.4 (MANE Select); one copy of the 3-base unit GAG starting at c.181; the reference has two copies in a row; one copy, 3 bases deleted.
Protein change: p.Glu62del; deletes glutamic acid 62.
Molecular consequence: inframe deletion.
Genome position (GRCh38, 1-based): chr2:127,421,396-127,421,398, GAG deleted; deleting any 3 consecutive bases within chr2:127,421,393-127,421,398 gives the same sequence; the position shown is the placement nearest the transcript's 3' end. VCF-style (leftmost placement, unchanged base first): chr2-127421392-AGAG-A. GRCh37 (hg19) VCF-style: chr2-128178968-AGAG-A.
Other names: c.364GAG[1], p.Glu123del (NM_001375602.1); c.244GAG[1], p.Glu83del (NM_001375603.1, NM_001375604.1, NM_001375606.1); c.181GAG[1], p.Glu62del (NM_001375605.1, NM_001375608.1, NM_001375611.1 and 1 more transcripts); c.265GAG[1], p.Glu90del (NM_001375607.1); c.157GAG[1], p.Glu54del (NM_001375609.1); c.175GAG[1], p.Glu60del (NM_001375610.1); short protein forms E83del, E123del, E54del, E62del, E60del, E90del.
Identifiers: ClinVar variation 4709316 (VCV004709316.1).